The following is an entry in ClinVar:

ClinVar aggregate classification (germline): Uncertain significance (1 of 4 stars; one submission).

Conditions:
Long QT syndrome (LQTS). Identifiers: MedGen C0023976, MeSH D008133, MONDO:0002442. Disease mechanism: loss of function. Inheritance: Various modes of inheritance.

gnomAD v4.1: 1 of 1,360,138 alleles (0.000074%); no homozygotes.

Submission:

Labcorp Genetics (formerly Invitae), Labcorp
Classification: Uncertain significance for Long QT syndrome. Last evaluated: 2024-05-02. Review status: criteria provided, single submitter. Criteria: Invitae Variant Classification Sherloc (09022015). Collection method: clinical testing. Allele origin: germline.
Comment: This sequence change replaces alanine, which is neutral and non-polar, with proline, which is neutral and non-polar, at codon 65 of the KCNQ1 protein (p.Ala65Pro). This variant is not present in population databases (gnomAD no frequency). This variant has not been reported in the literature in individuals affected with KCNQ1-related conditions. Advanced modeling of protein sequence and biophysical properties (such as structural, functional, and spatial information, amino acid conservation, physicochemical variation, residue mobility, and thermodynamic stability) performed at Invitae indicates that this missense variant is not expected to disrupt KCNQ1 protein function with a negative predictive value of 95%. In summary, the available evidence is currently insufficient to determine the role of this variant in disease. Therefore, it has been classified as a Variant of Uncertain Significance.

NM_000218.3(KCNQ1):c.193G>C (p.Ala65Pro)

Gene: KCNQ1 (potassium voltage-gated channel subfamily Q member 1; plus strand). Cytogenetic location: 11p15.5.
Variant type: single nucleotide variant.
Coding change: c.193G>C on transcript NM_000218.3 (MANE Select); coding-DNA position 193, G replaced by C.
Protein change: p.Ala65Pro; replaces alanine 65 with proline.
Molecular consequence: missense variant. On other transcripts: 5 prime UTR variant (1).
Genome position (GRCh38, 1-based): chr11:2,445,291, G>C. VCF-style: chr11-2445291-G-C. GRCh37 (hg19) VCF-style: chr11-2466521-G-C.
Other names: c.193G>C, p.Ala65Pro (NM_001406836.1, NM_001406838.1); c.-170G>C (NM_001406837.1); short protein forms A65P.
Identifiers: ClinVar variation 3708347 (VCV003708347.2).